The following is an entry in ClinVar:

ClinVar aggregate classification (germline): Uncertain significance. Review status: criteria provided, multiple submitters, no conflicts (2 of 4 stars). 2 submissions from 2 submitters: Uncertain significance (2). Last evaluated 2021-11-17.

Conditions:
Hypertrophic cardiomyopathy 17. Identifiers: MedGen C3151264, MONDO:0013474, OMIM 613873.
Cardiomyopathy, dilated, 2E. Identifiers: MedGen C5561970, MONDO:0030366, OMIM 619492.
Hypertrophic cardiomyopathy. Also called: HYPERTROPHIC MYOCARDIOPATHY. Identifiers: Orphanet 217569, MedGen C0007194, MeSH D002312, MONDO:0005045, HP:0001639.

Allele frequency attached by ClinVar (database versions not stated): gnomAD exomes below 0.00001; gnomAD 0.00001; TOPMed 0.00001.
gnomAD v4.1: 6 of 1,415,058 alleles (0.00042%); highest among the groups gnomAD compares: Non-Finnish European, 0.00055%; no homozygotes.

Submissions (2):

Fulgent Genetics
Classification: Uncertain significance for Hypertrophic cardiomyopathy 17; Cardiomyopathy, dilated, 2E. Last evaluated: 2021-11-17. Review status: criteria provided, single submitter. Criteria: ACMG Guidelines, 2015. Collection method: clinical testing. Allele origin: unknown.

Labcorp Genetics (formerly Invitae), Labcorp
Classification: Uncertain significance for Hypertrophic cardiomyopathy. Last evaluated: 2021-02-21. Review status: criteria provided, single submitter. Criteria: Invitae Variant Classification Sherloc (09022015). Collection method: clinical testing. Allele origin: germline.
Comment: Algorithms developed to predict the effect of missense changes on protein structure and function output the following: SIFT: "Tolerated"; PolyPhen-2: "Benign"; Align-GVGD: "Class C0". The arginine amino acid residue is found in multiple mammalian species, suggesting that this missense change does not adversely affect protein function. These predictions have not been confirmed by published functional studies and their clinical significance is uncertain. Algorithms developed to predict the effect of sequence changes on RNA splicing suggest that this variant may create or strengthen a splice site, but this prediction has not been confirmed by published transcriptional studies. In summary, the available evidence is currently insufficient to determine the role of this variant in disease. Therefore, it has been classified as a Variant of Uncertain Significance. This sequence change replaces lysine with arginine at codon 503 of the JPH2 protein (p.Lys503Arg). The lysine residue is weakly conserved and there is a small physicochemical difference between lysine and arginine. The frequency data for this variant in the population databases is considered unreliable, as metrics indicate insufficient coverage at this position in the ExAC database. This variant has not been reported in the literature in individuals with JPH2-related conditions.

NM_020433.5(JPH2):c.1508A>G (p.Lys503Arg)

Gene: JPH2 (junctophilin 2; minus strand). Cytogenetic location: 20q13.12.
Variant type: single nucleotide variant.
Coding change: c.1508A>G on transcript NM_020433.5 (MANE Select); coding-DNA position 1508, A replaced by G.
Protein change: p.Lys503Arg; replaces lysine 503 with arginine.
Molecular consequence: missense variant.
Genome position (GRCh38, 1-based): chr20:44,116,167, T>C on the plus strand (A>G on the coding strand, the complement: JPH2 is on the minus strand). VCF-style: chr20-44116167-T-C. GRCh37 (hg19) VCF-style: chr20-42744807-T-C.
Other names: short protein forms K503R.
Identifiers: ClinVar variation 1044339 (VCV001044339.9), dbSNP rs1457124939, ClinGen allele CA409100485.
Genomic context (GRCh38, chr20:44,116,167, plus strand): 5'-GACCGGCTGCCCTCACCGCTGGGCTCGCCGTTCCAGGCGCCTGGGCTCAGCAGGCCGTCC[T>C]TGGACACCCCGGGCCTGGGCCGCTTGGGCTGCGGGGGCGTCCCGGCCGGTGACGGGGAGC-3'
Protein context (NP_065166.2, residues 493-513): QPKRPRPGVS[Lys503Arg]DGLLSPGAWN